The following is an entry in ClinVar:

NM_025099.6(CTC1):c.3222-4A>G

Gene: CTC1 (CST telomere replication complex component 1; minus strand). Cytogenetic location: 17p13.1.
Variant type: single nucleotide variant.
Coding change: c.3222-4A>G on transcript NM_025099.6 (MANE Select); 4 bases into the intron before coding-DNA position 3222, A replaced by G.
Molecular consequence: intron variant.
Genome position (GRCh38, 1-based): chr17:8,228,896, T>C on the plus strand (A>G on the coding strand, the complement: CTC1 is on the minus strand). VCF-style: chr17-8228896-T-C. GRCh37 (hg19) VCF-style: chr17-8132214-T-C.
Other names: c.3222-4A>G (LRG_1124t1).
Identifiers: ClinVar variation 434854 (VCV000434854.20), dbSNP rs562479062, ClinGen allele CA8371823.
Genomic context (GRCh38, chr17:8,228,896, plus strand): 5'-ACATGGTGATTCCTACAGGTCACCACGGCTTCGGCAGTCCCATCCTCCACCAGGAGCCTA[T>C]GGGGAGCAGGAGGAAATAAAAACGCCTATAGCAACCCAGGTTGCCAACACCCTGGACCCA-3'

ClinVar aggregate classification (germline): Conflicting classifications of pathogenicity. Review status: criteria provided, conflicting classifications (1 of 4 stars). 5 submissions from 5 submitters: Uncertain significance (1); Likely benign (3). 1 of the submissions does not count toward it. Last evaluated 2026-01-26.

Conditions:
Dyskeratosis congenita. Identifiers: Orphanet 1775, MedGen C0265965, MONDO:0015780.
CTC1-related disorder. Also called: CTC1-related condition.
Cerebroretinal microangiopathy with calcifications and cysts 1 (CRMCC1). Identifiers: Orphanet 313838, MedGen C4552029, MONDO:0024564, OMIM 612199.

Allele frequency attached by ClinVar (database versions not stated): gnomAD exomes 0.00003 and 0.00016; gnomAD 0.00004 and 0.00005; TOPMed 0.00005; ExAC 0.00015; 1000 Genomes Project 0.00020; 1000 Genomes Project 30x 0.00047.
gnomAD v4.1: 52 of 1,609,534 alleles (0.0032%); highest among the groups gnomAD compares: East Asian, 0.1%; no homozygotes.

Submissions (5):

Labcorp Genetics (formerly Invitae), Labcorp
Classification: Likely benign for Dyskeratosis congenita. Last evaluated: 2026-01-26. Review status: criteria provided, single submitter. Criteria: Invitae Variant Classification Sherloc (09022015). Collection method: clinical testing. Allele origin: germline.

Blueprint Genetics
Classification: Likely benign. Last evaluated: 2022-08-26. Review status: criteria provided, single submitter. Criteria: ACMG Guidelines, 2015. Collection method: clinical testing. Allele origin: germline.

Genome-Nilou Lab
Classification: Likely benign for Cerebroretinal microangiopathy with calcifications and cysts 1. Last evaluated: 2021-07-15. Review status: criteria provided, single submitter. Criteria: ACMG Guidelines, 2015. Collection method: clinical testing. Allele origin: germline. Affected: no.

Genetic Services Laboratory, University of Chicago
Classification: Uncertain significance. Last evaluated: 2017-03-02. Review status: criteria provided, single submitter. Criteria: ACMG Guidelines, 2015. Collection method: clinical testing. Allele origin: germline. Affected: no.

PreventionGenetics, part of Exact Sciences
Classification: Likely benign for CTC1-related condition. Last evaluated: 2023-09-11. Review status: no assertion criteria provided. Collection method: clinical testing. Allele origin: germline. Not counted in ClinVar's aggregate classification.
Comment: This variant is classified as likely benign based on ACMG/AMP sequence variant interpretation guidelines (Richards et al. 2015 PMID: 25741868, with internal and published modifications).